The following is an entry in ClinVar:

NM_000492.4(CFTR):c.482del (p.Tyr161fs)

Gene: CFTR (CF transmembrane conductance regulator; plus strand). Cytogenetic location: 7q31.2.
Variant type: Deletion.
Coding change: c.482del on transcript NM_000492.4 (MANE Select); coding-DNA position 482, one base deleted (A; older notation c.482delA).
Protein change: p.Tyr161fs; shifts the reading frame from tyrosine 161.
Molecular consequence: frameshift variant.
Genome position (GRCh38, 1-based): chr7:117,531,107, A deleted. VCF-style (leftmost placement, unchanged base first): chr7-117531106-TA-T. GRCh37 (hg19) VCF-style: chr7-117171160-TA-T.
Other names: c.482del (NM_000492.3); short protein forms Y161fs.
Identifiers: ClinVar variation 2680724 (VCV002680724.2), dbSNP rs2485009815, ClinGen allele CA2695199630.

ClinVar aggregate classification (germline): Likely pathogenic. Review status: criteria provided, multiple submitters, no conflicts (2 of 4 stars). 2 submissions from 2 submitters: Likely pathogenic (2). Last evaluated 2024-08-22.

Conditions:
CFTR-related disorder (CFTR-RD). Also called: CFTR-related disorders; CFTR-related condition. Identifiers: MedGen C5924204, MONDO:7770004.
Bronchiectasis with or without elevated sweat chloride 1 (BESC1). Also called: Cystic Fibrosis-Like Syndrome. Identifiers: Orphanet 60033, MedGen C2749757, MONDO:0008887, OMIM 211400.

Submissions (2):

Natera, Inc.
Classification: Likely pathogenic for CFTR-related disorders. Last evaluated: 2024-08-22. Review status: criteria provided, single submitter. Criteria: Natera Variant Classification Schema (03/2026). Collection method: clinical testing. Allele origin: germline.
Comment: The c.482del variant in CFTR is a frameshift variant predicted to shift the reading frame beginning at codon 161 and leads to a stop codon 5 codons downstream. This variant is expected to result in nonsense mediated decay, truncation, or a dysfunctional protein product. This variant is rare in the general population with a frequency below the threshold expected for the associated phenotype(s). Given the available evidence, this variant is classified as Likely Pathogenic.

Baylor Genetics
Classification: Likely pathogenic for Bronchiectasis with or without elevated sweat chloride 1. Last evaluated: 2022-05-16. Review status: criteria provided, single submitter. Criteria: ACMG Guidelines, 2015. Collection method: clinical testing. Allele origin: unknown.